The following is an entry in ClinVar:

ClinVar aggregate classification (germline): Benign/Likely benign. Review status: criteria provided, multiple submitters, no conflicts (2 of 4 stars). 6 submissions from 6 submitters: Benign (2); Likely benign (3). 1 of the submissions does not count toward it. Last evaluated 2026-08-01.

Conditions:
COQ7-related disorder. Also called: COQ7-related condition.

Allele frequency attached by ClinVar (database versions not stated): 1000 Genomes Project 30x 0.00219; 1000 Genomes Project 0.00240; gnomAD 0.00532 and 0.00587; TOPMed 0.00715; ESP Exome Variant Server 0.00762.
gnomAD v4.1: 11,125 of 1,614,146 alleles (0.69%); highest among the groups gnomAD compares: Middle Eastern, 1.4%; 57 homozygotes.

Submissions (6):

CeGaT Center for Human Genetics Tuebingen
Classification: Likely benign. Last evaluated: 2026-08-01. Review status: criteria provided, single submitter. Criteria: CeGaT Center For Human Genetics Tuebingen Variant Classification Criteria Version 2. Collection method: clinical testing. Allele origin: germline. Affected: yes. Observed: 27 variant alleles.
Comment: COQ7: BP4, BP7, BS2

Labcorp Genetics (formerly Invitae), Labcorp
Classification: Benign. Last evaluated: 2026-01-27. Review status: criteria provided, single submitter. Criteria: Invitae Variant Classification Sherloc (09022015). Collection method: clinical testing. Allele origin: germline.

Mayo Clinic Laboratories, Mayo Clinic
Classification: Benign. Last evaluated: 2025-07-23. Review status: criteria provided, single submitter. Criteria: ACMG Guidelines, 2015. Collection method: clinical testing. Allele origin: germline. Observed: 29 variant alleles.
Comment: BA1, BP4, BP7

GeneDx
Classification: Likely benign. Last evaluated: 2020-11-09. Review status: criteria provided, single submitter. Criteria: GeneDx Variant Classification Process June 2021. Collection method: clinical testing. Allele origin: germline. Affected: yes.

Breakthrough Genomics
Classification: Likely benign. Review status: criteria provided, single submitter. Criteria: ACMG Guidelines, 2015. Collection method: not provided. Allele origin: germline. Inheritance: Autosomal recessive inheritance. Affected: yes.

PreventionGenetics, part of Exact Sciences
Classification: Benign for COQ7-related condition. Last evaluated: 2019-07-08. Review status: no assertion criteria provided. Collection method: clinical testing. Allele origin: germline. Not counted in ClinVar's aggregate classification.
Comment: This variant is classified as benign based on ACMG/AMP sequence variant interpretation guidelines (Richards et al. 2015 PMID: 25741868, with internal and published modifications).

NM_016138.5(COQ7):c.492C>T (p.Tyr164=)

Gene: COQ7 (coenzyme Q7, hydroxylase; plus strand). Cytogenetic location: 16p12.3.
Variant type: single nucleotide variant.
Coding change: c.492C>T on transcript NM_016138.5 (MANE Select); coding-DNA position 492, C replaced by T.
Protein change: p.Tyr164=; no amino-acid change (tyrosine 164 retained).
Molecular consequence: synonymous variant. On other transcripts: non-coding transcript variant (3).
Genome position (GRCh38, 1-based): chr16:19,075,845, C>T. VCF-style: chr16-19075845-C-T. GRCh37 (hg19) VCF-style: chr16-19087167-C-T.
Other names: p.Tyr164=; c.378C>T, p.Tyr126= (NM_001190983.2, NM_001370492.1, NM_001370493.1 and 2 more transcripts); c.450C>T, p.Tyr150= (NM_001370489.1, NM_001370491.1); c.492C>T, p.Tyr164= (NM_001370490.1).
Identifiers: ClinVar variation 769417 (VCV000769417.45), dbSNP rs34688983, ClinGen allele CA7933038.